The following is an entry in ClinVar:

NM_014989.7(RIMS1):c.1380A>C (p.Glu460Asp)

Gene: RIMS1 (regulating synaptic membrane exocytosis 1; plus strand). Cytogenetic location: 6q13.
Variant type: single nucleotide variant.
Coding change: c.1380A>C on transcript NM_014989.7 (MANE Select); coding-DNA position 1380, A replaced by C.
Protein change: p.Glu460Asp; replaces glutamic acid 460 with aspartic acid.
Molecular consequence: missense variant.
Genome position (GRCh38, 1-based): chr6:72,182,851, A>C. VCF-style: chr6-72182851-A-C. GRCh37 (hg19) VCF-style: chr6-72892554-A-C.
Other names: short protein forms E460D.
Identifiers: ClinVar variation 2161588 (VCV002161588.4), dbSNP rs755979150, ClinGen allele CA3885690.
Genomic context (GRCh38, chr6:72,182,851, plus strand): 5'-CGCCAAGCAGCTAACGAACCACAGCCCGCCGGCGCCCAGACATGGGCCGGTTCCCGCAGA[A>C]GCCCCGGAGCTCAAAGCCCAGGAGCCCCTCAGGAAGCAGAGCCGCCTGGACCCCAGCTCG-3'
Protein context (NP_055804.2, residues 450-470): PAPRHGPVPA[Glu460Asp]APELKAQEPL

ClinVar aggregate classification (germline): Uncertain significance (1 of 4 stars; one submission).

Allele frequency attached by ClinVar (database versions not stated): gnomAD 0.00001; TOPMed 0.00001; gnomAD exomes 0.00003; ExAC 0.00007.
gnomAD v4.1: 51 of 1,555,906 alleles (0.0033%); highest among the groups gnomAD compares: Non-Finnish European, 0.0041%; no homozygotes.

Submission:

Labcorp Genetics (formerly Invitae), Labcorp
Classification: Uncertain significance. Last evaluated: 2024-02-24. Review status: criteria provided, single submitter. Criteria: Invitae Variant Classification Sherloc (09022015). Collection method: clinical testing. Allele origin: germline.
Comment: This sequence change replaces glutamic acid, which is acidic and polar, with aspartic acid, which is acidic and polar, at codon 460 of the RIMS1 protein (p.Glu460Asp). This variant is present in population databases (rs755979150, gnomAD 0.004%). This variant has not been reported in the literature in individuals affected with RIMS1-related conditions. ClinVar contains an entry for this variant (Variation ID: 2161588). An algorithm developed to predict the effect of missense changes on protein structure and function (PolyPhen-2) suggests that this variant is likely to be tolerated. In summary, the available evidence is currently insufficient to determine the role of this variant in disease. Therefore, it has been classified as a Variant of Uncertain Significance.